The following is an entry in ClinVar:

NM_130384.3(ATRIP):c.1390C>T (p.Pro464Ser)

Genes: ATRIP (ATR interacting protein; plus strand), ATRIP-TREX1 (ATRIP-TREX1 readthrough; plus strand). Cytogenetic location: 3p21.31.
Variant type: single nucleotide variant.
Coding change: c.1390C>T on transcript NM_130384.3 (MANE Select); coding-DNA position 1390, C replaced by T.
Protein change: p.Pro464Ser; replaces proline 464 with serine.
Molecular consequence: missense variant. On other transcripts: non-coding transcript variant (1).
Genome position (GRCh38, 1-based): chr3:48,460,444, C>T. VCF-style: chr3-48460444-C-T. GRCh37 (hg19) VCF-style: chr3-48501843-C-T.
Other names: c.1009C>T, p.Pro337Ser (NM_001271022.2); c.1111C>T, p.Pro371Ser (NM_001271023.2); c.1390C>T, p.Pro464Ser (NM_032166.4); short protein forms P464S, P337S, P371S.
Identifiers: ClinVar variation 3465389 (VCV003465389.2).
Genomic context (GRCh38, chr3:48,460,444, plus strand): 5'-GGAGCACCTGGGGACTCACCGACACATTCCTCCTGCGTGAGCTCTGGGGTAGAGACCAAC[C>T]CTGAGGACTCAGTGTGCATCCTGGAAGGCTTCTCTGTGACTGCACTTAGCATTCTTCAGC-3'
Protein context (NP_569055.1, residues 454-474): SCVSSGVETN[Pro464Ser]EDSVCILEGF

ClinVar aggregate classification (germline): Uncertain significance (1 of 4 stars; one submission).

Submission:

Ambry Genetics
Classification: Uncertain significance. Last evaluated: 2024-12-26. Review status: criteria provided, single submitter. Criteria: Ambry Variant Classification Scheme 2023. Collection method: clinical testing. Allele origin: germline.
Comment: The p.P464S variant (also known as c.1390C>T), located in coding exon 8 of the ATRIP gene, results from a C to T substitution at nucleotide position 1390. The proline at codon 464 is replaced by serine, an amino acid with similar properties. This amino acid position is conserved. In addition, this alteration is predicted to be tolerated by in silico analysis. Based on the available evidence, the clinical significance of this variant remains unclear.